The following is an entry in ClinVar:

ClinVar aggregate classification (germline): Uncertain significance (1 of 4 stars; one submission).

Submission:

Ambry Genetics
Classification: Uncertain significance. Last evaluated: 2024-05-22. Review status: criteria provided, single submitter. Criteria: Ambry Variant Classification Scheme 2023. Collection method: clinical testing. Allele origin: germline.
Comment: The p.N1390S variant (also known as c.4169A>G), located in coding exon 38 of the KIF1B gene, results from an A to G substitution at nucleotide position 4169. The asparagine at codon 1390 is replaced by serine, an amino acid with highly similar properties. This amino acid position is conserved. In addition, this alteration is predicted to be tolerated by in silico analysis. Based on the available evidence, the clinical significance of this variant remains unclear.

NM_001365951.3(KIF1B):c.4307A>G (p.Asn1436Ser)

Gene: KIF1B (kinesin family member 1B; plus strand). Cytogenetic location: 1p36.22.
Variant type: single nucleotide variant.
Coding change: c.4307A>G on transcript NM_001365951.3 (MANE Select); coding-DNA position 4307, A replaced by G.
Protein change: p.Asn1436Ser; replaces asparagine 1436 with serine.
Molecular consequence: missense variant.
Genome position (GRCh38, 1-based): chr1:10,363,285, A>G. VCF-style: chr1-10363285-A-G. GRCh37 (hg19) VCF-style: chr1-10423343-A-G.
Other names: c.4307A>G, p.Asn1436Ser (NM_001365952.1); c.4169A>G, p.Asn1390Ser (NM_015074.3); short protein forms N1390S, N1436S.
Identifiers: ClinVar variation 3288354 (VCV003288354.1).
Genomic context (GRCh38, chr1:10,363,285, plus strand): 5'-AATTTTCCTGTTTTTGTGCTTTAAGAGATTAAACAATTGTTTTATTTTCTTCAAATAGGA[A>G]TCGAGTCACTGGCATTTACGAACTCAGCTTATGCAAAATGTCAGACACAGGTAGTCCAGG-3'
Protein context (NP_001352880.1, residues 1426-1446): GSGYSKSPDS[Asn1436Ser]RVTGIYELSL